The following is an entry in ClinVar:

NM_000124.4(ERCC6):c.-15+3G>T

Genes: ERCC6 (ERCC excision repair 6, chromatin remodeling factor; minus strand), LOC130003806 (ATAC-STARR-seq lymphoblastoid silent region 2363; plus strand). Cytogenetic location: 10q11.23.
Variant type: single nucleotide variant.
Coding change: c.-15+3G>T on transcript NM_000124.4 (MANE Select); 3 bases into the intron after 15 bases upstream of the start codon, G replaced by T.
Molecular consequence: intron variant.
Genome position (GRCh38, 1-based): chr10:49,538,959, C>A on the plus strand (G>T on the coding strand, the complement: ERCC6 is on the minus strand). VCF-style: chr10-49538959-C-A. GRCh37 (hg19) VCF-style: chr10-50747005-C-A.
Other names: c.-11+3G>T (NM_001346440.2); c.-15+473G>T (NM_001277059.2); c.-15+3G>T (NM_001277058.2).
Identifiers: ClinVar variation 692034 (VCV000692034.1), dbSNP rs1010201937, ClinGen allele CA915945907.

ClinVar aggregate classification (germline): Likely pathogenic (1 of 4 stars; one submission).

Conditions:
Cockayne syndrome type 2 (CSB). Also called: COCKAYNE SYNDROME B; Cockayne Syndrome, Type II. Identifiers: Orphanet 191, Orphanet 90322, MedGen C0751038, MONDO:0019570, OMIM 133540.

Submission:

Rady Children's Institute for Genomic Medicine, Rady Children's Hospital San Diego
Classification: Likely pathogenic for COCKAYNE SYNDROME B. Last evaluated: 2018-06-11. Review status: criteria provided, single submitter. Criteria: ACMG Guidelines, 2015. Collection method: clinical testing. Allele origin: germline. Affected: yes. Observed: 1 variant allele.
Comment: This variant has not been reported in the literature to best of our knowledge. It is absent from the gnomAD population database and thus is presumed to be rare. The c.-15+3G>T variant is predicted by multiple splicing prediction tools to affect splicing which may lead to altered protein function. Based on this evidence and the additional research functional testing performed (see below), this variant is classified as likely pathogenic. Research Functional Testing: Initial research functional testing from the patient's blood revealed a decrease in unscheduled DNA synthesis (UDS) (PMID: 29105242). Although this result is an indicator for decreased DNA repair, UDS may or may not be affected in patients with CS. Follow-up studies from the patient's dermal fibroblasts replicated the findings from the UDS results from peripheral blood. The recovery of RNA synthesis (RRS) was then performed from the patient's fibroblasts that revealed decreased RRS. This result is indicative of a defect in transcription-coupled nucleotide excision repair (TC-NER) and a functional impairment in the gene product of ERCC6. This result is established to be diagnostic for CS.